The following is an entry in ClinVar:

ClinVar aggregate classification (germline): Pathogenic. Review status: reviewed by expert panel (3 of 4 stars). 4 submissions from 4 submitters: Pathogenic (1). 3 of the submissions do not count toward it. Last evaluated 2017-12-15.

Conditions:
Hereditary breast ovarian cancer syndrome. Also called: Hereditary breast and ovarian cancer syndrome; Hereditary breast and ovarian cancer; Hereditary breast and ovarian cancer syndrome (HBOC); Breast and ovarian cancer; Hereditary breast and/or ovarian cancer syndrome; BRCA1- and BRCA2-Associated Hereditary Breast and Ovarian Cancer. Identifiers: Orphanet 145, MedGen C0677776, MeSH D061325, MONDO:0003582. Disease mechanism: loss of function.
Breast-ovarian cancer, familial, susceptibility to, 2 (BROVCA2). Also called: BRCA2 Hereditary Breast and Ovarian Cancer. Identifiers: Orphanet 145, MedGen C2675520, MONDO:0012933, OMIM 612555. Disease mechanism: loss of function.
Hereditary cancer-predisposing syndrome. Also called: Neoplastic Syndromes, Hereditary; Tumor predisposition; Hereditary neoplastic syndrome; Hereditary Cancer Syndrome. Identifiers: Orphanet 140162, MedGen C0027672, MeSH D009386, MONDO:0015356.
Malignant tumor of breast. Also called: Malignant breast neoplasm; Cancer breast. Identifiers: MedGen C0006142, MONDO:0007254. Disease mechanism: loss of function.

Submissions (4):

Evidence-based Network for the Interpretation of Germline Mutant Alleles (ENIGMA)
Classification: Pathogenic for Breast-ovarian cancer, familial, susceptibility to, 2. Last evaluated: 2017-12-15. Review status: reviewed by expert panel. Criteria: ENIGMA BRCA1/2 Classification Criteria (2017-06-29). Collection method: curation. Allele origin: germline. Study: ENIGMA.
Comment: Variant allele predicted to encode a truncated non-functional protein.

Ambry Genetics
Classification: Pathogenic for Hereditary cancer-predisposing syndrome. Last evaluated: 2025-08-22. Review status: criteria provided, single submitter. Criteria: Ambry Variant Classification Scheme 2023. Collection method: clinical testing. Allele origin: germline. Not counted in ClinVar's aggregate classification.
Comment: The c.9431delC pathogenic mutation, located in coding exon 24 of the BRCA2 gene, results from a deletion of one nucleotide at nucleotide position 9431, causing a translational frameshift with a predicted alternate stop codon (p.S3144Lfs*19). This variant was reported in individual(s) with features consistent with BRCA2-related cancer predisposition (Zhang S et al. Gynecol Oncol, 2011 May;121:353-7; Lerner-Ellis J et al. J Cancer Res Clin Oncol, 2021 Mar;147:871-879; Bang YJ et al. Cancer Res Treat, 2022 Jul;54:827-833). This variant is considered to be rare based on population cohorts in the Genome Aggregation Database (gnomAD). This alteration is expected to result in loss of function by premature protein truncation or nonsense-mediated mRNA decay. As such, this alteration is interpreted as a disease-causing mutation.

Research Molecular Genetics Laboratory, Women's College Hospital, University of Toronto
Classification: Pathogenic for Hereditary breast ovarian cancer syndrome. Last evaluated: 2014-01-31. Review status: no assertion criteria provided. Collection method: research. Allele origin: germline. Affected: yes. Study: The Canadian Open Genetics Repository (COGR). Not counted in ClinVar's aggregate classification.

Department of Pathology and Laboratory Medicine, Sinai Health System
Classification: Pathogenic for Malignant tumor of breast. Review status: no assertion criteria provided. Collection method: clinical testing. Allele origin: unknown. Affected: yes. Observed: 1 variant allele. Study: The Canadian Open Genetics Repository (COGR). Not counted in ClinVar's aggregate classification.
Comment: The BRCA2 p.Ser3144Leufs*19 variant was identified in 2 of 10528 proband chromosomes (frequency: 0.0002) from individuals or families with hereditary breast and ovarian cancer (Zhang 2011, Kim 2012). The variant was also identified in dbSNP (ID: rs397508051) as â€šÃ„ÃºWith Pathogenic alleleâ€šÃ„Ã¹, ClinVar (as pathogenic by Women's College Hospital), Clinvitae, and ARUP Laboratories (as definitely pathogenic). The variant was not identified in the following databases: COGR, Cosmic, MutDB, LOVD 3.0, UMD-LSDB, BIC Database, or Zhejiang University Database. The variant was not identified in the following control databases: the 1000 Genomes Project, the NHLBI GO Exome Sequencing Project, the Exome Aggregation Consortium (August 8th 2016), or the Genome Aggregation Database (Feb 27, 2017). The c.9431del variant is predicted to cause a frameshift, which alters the protein's amino acid sequence beginning at codon 3144 and leads to a premature stop codon at position 3162. This alteration is then predicted to result in a truncated or absent protein and loss of function. Loss of function variants of the BRCA2 gene are an established mechanism of disease in hereditary breast and ovarian cancer syndrome and is the type of variant expected to cause the disorder. In summary, based on the above information this variant meets our laboratoryâ€šÃ„Ã´s criteria to be classified as pathogenic.

Literature cited by the submitters: PubMed 21324516 (cited by Ambry Genetics); PubMed 32885271 (cited by Ambry Genetics); PubMed 34645131 (cited by Ambry Genetics).

NM_000059.4(BRCA2):c.9431del (p.Ser3144fs)

Gene: BRCA2 (BRCA2 DNA repair associated; plus strand). Cytogenetic location: 13q13.1.
Variant type: Deletion.
Coding change: c.9431del on transcript NM_000059.4 (MANE Select); coding-DNA position 9431, one base deleted (C; older notation c.9431delC).
Protein change: p.Ser3144fs; shifts the reading frame from serine 3144.
Molecular consequence: frameshift variant.
Genome position (GRCh38, 1-based): chr13:32,394,863, C deleted. VCF-style (leftmost placement, unchanged base first): chr13-32394862-TC-T. GRCh37 (hg19) VCF-style: chr13-32968999-TC-T.
Other names: c.9431delC (NM_000059.3); short protein forms S3144fs.
Identifiers: ClinVar variation 52837 (VCV000052837.5), dbSNP rs397508051, ClinGen allele CA026153.